The following is an entry in ClinVar:

NM_000071.3(CBS):c.1080C>T (p.Ala360=)

Gene: CBS (cystathionine beta-synthase; minus strand). Cytogenetic location: 21q22.3.
Variant type: single nucleotide variant.
Coding change: c.1080C>T on transcript NM_000071.3 (MANE Select); coding-DNA position 1080, C replaced by T.
Protein change: p.Ala360=; no amino-acid change (alanine 360 retained).
Molecular consequence: synonymous variant.
Genome position (GRCh38, 1-based): chr21:43,060,506, G>A on the plus strand (C>T on the coding strand, the complement: CBS is on the minus strand). VCF-style: chr21-43060506-G-A. GRCh37 (hg19) VCF-style: chr21-44480616-G-A.
Other names: p.A360A:GCC>GCT; p.Ala360=; c.1080C>T, p.Ala360= (NM_001178008.3, NM_001178009.3, NM_001320298.2); c.765C>T, p.Ala255= (NM_001321072.1).
Identifiers: ClinVar variation 92424 (VCV000092424.49), dbSNP rs1801181, ClinGen allele CA285307.

ClinVar aggregate classification (germline): Benign. Review status: criteria provided, multiple submitters, no conflicts (2 of 4 stars). 19 submissions from 19 submitters: Benign (14). 5 of the submissions do not count toward it. Last evaluated 2026-02-04.

Conditions:
Classic homocystinuria. Also called: Homocystinuria due to Cystathionine Beta-Synthase Deficiency; Homocystinuria due to CBS deficiency; Cystathionine beta-synthase deficiency; CBS deficiency; HOMOCYSTINURIA WITH OR WITHOUT RESPONSE TO PYRIDOXINE. Identifiers: Orphanet 394, MedGen C0751202, MONDO:0009352, OMIM 236200.
Familial thoracic aortic aneurysm and aortic dissection (TAAD). Also called: Thoracic aortic aneurysms and dissections. Identifiers: Orphanet 91387, MedGen C4707243, MONDO:0019625.
HYPERHOMOCYSTEINEMIA, THROMBOTIC, CBS-RELATED. Identifiers: MedGen C3150344, OMIM 236200.

Allele frequency attached by ClinVar (database versions not stated): ESP Exome Variant Server 0.26269; TOPMed 0.27945; 1000 Genomes Project 0.29553; gnomAD 0.30942; gnomAD exomes 0.33409; ExAC 0.33815.

Submissions (19):

Labcorp Genetics (formerly Invitae), Labcorp
Classification: Benign for HYPERHOMOCYSTEINEMIA, THROMBOTIC, CBS-RELATED. Last evaluated: 2026-02-04. Review status: criteria provided, single submitter. Criteria: Invitae Variant Classification Sherloc (09022015). Collection method: clinical testing. Allele origin: germline.

ARUP Laboratories, Molecular Genetics and Genomics, ARUP Laboratories
Classification: Benign. Last evaluated: 2025-07-29. Review status: criteria provided, single submitter. Criteria: ARUP Molecular Germline Variant Investigation Process 2024. Collection method: clinical testing. Allele origin: germline.

Molecular Diagnostic Laboratory for Inherited Cardiovascular Disease, Montreal Heart Institute
Classification: Benign. Last evaluated: 2025-04-09. Review status: criteria provided, single submitter. Criteria: ACMG Guidelines, 2015. Collection method: clinical testing. Allele origin: germline. Affected: no.

Blueprint Genetics
Classification: Benign. Last evaluated: 2024-11-28. Review status: criteria provided, single submitter. Criteria: ACMG Guidelines, 2015. Collection method: clinical testing. Allele origin: germline.

Genome-Nilou Lab
Classification: Benign for Classic homocystinuria. Last evaluated: 2021-07-14. Review status: criteria provided, single submitter. Criteria: ACMG Guidelines, 2015. Collection method: clinical testing. Allele origin: germline. Affected: no.

Mayo Clinic Laboratories, Mayo Clinic
Classification: Benign. Last evaluated: 2021-04-07. Review status: criteria provided, single submitter. Criteria: ACMG Guidelines, 2015. Collection method: clinical testing. Allele origin: germline. Observed: 986 variant alleles.

GeneDx
Classification: Benign. Last evaluated: 2018-10-04. Review status: criteria provided, single submitter. Criteria: GeneDx Variant Classification Process June 2021. Collection method: clinical testing. Allele origin: germline. Affected: yes.

Illumina Laboratory Services, Illumina
Classification: Benign for Classic homocystinuria. Last evaluated: 2018-01-13. Review status: criteria provided, single submitter. Criteria: ICSL Variant Classification Criteria 13 December 2019. Collection method: clinical testing. Allele origin: germline.
Comment: This variant was observed in the ICSL laboratory as part of a predisposition screen in an ostensibly healthy population. It had not been previously curated by ICSL or reported in the Human Gene Mutation Database (HGMD: prior to June 1st, 2018), and was therefore a candidate for classification through an automated scoring system. Utilizing variant allele frequency, disease prevalence and penetrance estimates, and inheritance mode, an automated score was calculated to assess if this variant is too frequent to cause the disease. Based on the score and internal cut-off values, a variant classified as benign is not then subjected to further curation. The score for this variant resulted in a classification of benign for this disease.

Genome Diagnostics Laboratory, University Medical Center Utrecht
Classification: Benign for Classic homocystinuria. Last evaluated: 2017-07-28. Review status: criteria provided, single submitter. Criteria: ACGS Guidelines, 2013. Collection method: clinical testing. Allele origin: germline. Affected: yes. Study: VKGL Data-share Consensus.

Ambry Genetics
Classification: Benign for Familial thoracic aortic aneurysm and aortic dissection. Last evaluated: 2014-11-24. Review status: criteria provided, single submitter. Criteria: Ambry Variant Classification Scheme 2023. Collection method: clinical testing. Allele origin: germline.

Eurofins Ntd Llc (ga)
Classification: Benign. Last evaluated: 2014-03-12. Review status: criteria provided, single submitter. Criteria: EGL Classification Definitions 2015. Collection method: clinical testing. Allele origin: germline. Observed: 38 variant alleles, 28 heterozygotes, 10 homozygotes.

Laboratory for Molecular Medicine, Mass General Brigham Personalized Medicine
Classification: Benign. Last evaluated: 2013-04-04. Review status: criteria provided, single submitter. Criteria: LMM Criteria. Collection method: clinical testing. Allele origin: germline. Observed: 8 variant alleles.
Comment: Ala360Ala in exon 12 of CBS: This variant is not expected to have clinical signi ficance because it does not alter an amino acid residue and is not located withi n the splice consensus sequence. It has been identified in 35.9% (3087/8594) of European American chromosomes from a broad population by the NHLBI Exome Sequenc ing Project (dbSNP rs1801181).

Breakthrough Genomics
Classification: Benign. Review status: criteria provided, single submitter. Criteria: ACMG Guidelines, 2015. Collection method: not provided. Allele origin: germline. Inheritance: Autosomal recessive inheritance. Affected: yes.

PreventionGenetics, part of Exact Sciences
Classification: Benign. Review status: criteria provided, single submitter. Criteria: ACMG Guidelines, 2015. Collection method: clinical testing. Allele origin: germline.

Natera, Inc.
Classification: Benign for Homocystinuria due to cystathionine beta-synthase deficiency. Last evaluated: 2020-09-16. Review status: no assertion criteria provided. Collection method: clinical testing. Allele origin: germline. Not counted in ClinVar's aggregate classification.

Genome Diagnostics Laboratory, Amsterdam University Medical Center
Classification: Benign for Classic homocystinuria. Last evaluated: 2015-09-23. Review status: no assertion criteria provided. Criteria: ACGS Guidelines, 2013. Collection method: clinical testing. Allele origin: germline. Affected: yes. Study: VKGL Data-share Consensus. Not counted in ClinVar's aggregate classification.

Clinical Genetics, Academic Medical Center
Classification: Benign. Review status: no assertion criteria provided. Collection method: clinical testing. Allele origin: germline. Affected: yes. Study: VKGL Data-share Consensus. Not counted in ClinVar's aggregate classification.

Department of Pathology and Laboratory Medicine, Sinai Health System
Classification: Uncertain significance. Review status: no assertion criteria provided. Collection method: clinical testing. Allele origin: unknown. Affected: yes. Study: The Canadian Open Genetics Repository (COGR). Not counted in ClinVar's aggregate classification.
Comment: multiple AR variants in same gene - keep for nowAllele frequency is common in at least one population database (frequency: 62.069% in ExAC) based on the frequency threshold of 1.432% for this gene.Variant was observed in a homozygous state in population databases more than expected for disease.10 reputable source/s reports the variant as benign, but the evidence is not available to the laboratory to perform an independent evaluation.A synonymous variant not located in a splice region.

Diagnostic Laboratory, Department of Genetics, University Medical Center Groningen
Classification: Benign for Classic homocystinuria. Review status: no assertion criteria provided. Collection method: clinical testing. Allele origin: germline. Affected: yes. Study: VKGL Data-share Consensus. Not counted in ClinVar's aggregate classification.